The following is an entry in ClinVar:

NM_001206927.2(DNAH8):c.1734A>T (p.Lys578Asn)

Gene: DNAH8 (dynein axonemal heavy chain 8; plus strand). Cytogenetic location: 6p21.2.
Variant type: single nucleotide variant.
Coding change: c.1734A>T on transcript NM_001206927.2 (MANE Select); coding-DNA position 1734, A replaced by T.
Protein change: p.Lys578Asn; replaces lysine 578 with asparagine.
Molecular consequence: missense variant.
Genome position (GRCh38, 1-based): chr6:38,770,529, A>T. VCF-style: chr6-38770529-A-T. GRCh37 (hg19) VCF-style: chr6-38738305-A-T.
Other names: c.1083A>T, p.Lys361Asn (NM_001371.4); short protein forms K361N, K578N.
Identifiers: ClinVar variation 2873462 (VCV002873462.3), dbSNP rs1271183567, ClinGen allele CA363988112.

ClinVar aggregate classification (germline): Uncertain significance (1 of 4 stars; one submission).

Conditions:
Primary ciliary dyskinesia. Also called: Ciliary dyskinesia. Identifiers: Orphanet 244, MedGen C0008780, MONDO:0016575, HP:0012265.

Allele frequency attached by ClinVar (database versions not stated): gnomAD exomes below 0.00001.
gnomAD v4.1: 2 of 1,603,164 alleles (0.00012%); highest among the groups gnomAD compares: Admixed American, 0.0018%; no homozygotes.

Submission:

Labcorp Genetics (formerly Invitae), Labcorp
Classification: Uncertain significance for Primary ciliary dyskinesia. Last evaluated: 2023-10-05. Review status: criteria provided, single submitter. Criteria: Invitae Variant Classification Sherloc (09022015). Collection method: clinical testing. Allele origin: germline.
Comment: This sequence change replaces lysine, which is basic and polar, with asparagine, which is neutral and polar, at codon 578 of the DNAH8 protein (p.Lys578Asn). This variant is present in population databases (no rsID available, gnomAD 0.003%). This variant has not been reported in the literature in individuals affected with DNAH8-related conditions. Experimental studies and prediction algorithms are not available or were not evaluated, and the functional significance of this variant is currently unknown. In summary, the available evidence is currently insufficient to determine the role of this variant in disease. Therefore, it has been classified as a Variant of Uncertain Significance.